The following is an entry in ClinVar:

NM_001069.3(TUBB2A):c.1215G>C (p.Glu405Asp)

Gene: TUBB2A (tubulin beta 2A class IIa; minus strand). Cytogenetic location: 6p25.2.
Variant type: single nucleotide variant.
Coding change: c.1215G>C on transcript NM_001069.3 (MANE Select); coding-DNA position 1215, G replaced by C.
Protein change: p.Glu405Asp; replaces glutamic acid 405 with aspartic acid.
Molecular consequence: missense variant.
Genome position (GRCh38, 1-based): chr6:3,153,986, C>G on the plus strand (G>C on the coding strand, the complement: TUBB2A is on the minus strand). VCF-style: chr6-3153986-C-G. GRCh37 (hg19) VCF-style: chr6-3154220-C-G.
Other names: c.960G>C, p.Glu320Asp (NM_001310315.2); short protein forms E320D, E405D.
Identifiers: ClinVar variation 2119367 (VCV002119367.4), dbSNP rs2533523553, ClinGen allele CA362590965.
Genomic context (GRCh38, chr6:3,153,986, plus strand): 5'-GTACTGCTGGTACTCGGACACCAGGTCGTTCATGTTGCTCTCGGCCTCGGTGAACTCCAT[C>G]TCGTCCATGCCCTCGCCCGTGTACCAGTGCAGGAAGGCCTTGCGCCGGAACATGGCCGTG-3'
Protein context (NP_001060.1, residues 395-415): LHWYTGEGMD[Glu405Asp]MEFTEAESNM

ClinVar aggregate classification (germline): Uncertain significance (1 of 4 stars; one submission).

Submission:

Labcorp Genetics (formerly Invitae), Labcorp
Classification: Uncertain significance. Last evaluated: 2022-04-18. Review status: criteria provided, single submitter. Criteria: Invitae Variant Classification Sherloc (09022015). Collection method: clinical testing. Allele origin: germline.
Comment: In summary, the available evidence is currently insufficient to determine the role of this variant in disease. Therefore, it has been classified as a Variant of Uncertain Significance. Advanced modeling of protein sequence and biophysical properties (such as structural, functional, and spatial information, amino acid conservation, physicochemical variation, residue mobility, and thermodynamic stability) performed at Invitae indicates that this missense variant is expected to disrupt TUBB2A protein function. This variant has not been reported in the literature in individuals affected with TUBB2A-related conditions. This variant is not present in population databases (gnomAD no frequency). This sequence change replaces glutamic acid, which is acidic and polar, with aspartic acid, which is acidic and polar, at codon 405 of the TUBB2A protein (p.Glu405Asp).